The following is an entry in ClinVar:

NM_001387430.1(SH2B1):c.93G>C (p.Glu31Asp)

Gene: SH2B1 (SH2B adaptor protein 1; plus strand). Cytogenetic location: 16p11.2.
Variant type: single nucleotide variant.
Coding change: c.93G>C on transcript NM_001387430.1 (MANE Select); coding-DNA position 93, G replaced by C.
Protein change: p.Glu31Asp; replaces glutamic acid 31 with aspartic acid.
Molecular consequence: missense variant. On other transcripts: intron variant (1).
Genome position (GRCh38, 1-based): chr16:28,866,187, G>C. VCF-style: chr16-28866187-G-C. GRCh37 (hg19) VCF-style: chr16-28877508-G-C.
Other names: c.93G>C, p.Glu31Asp (NM_001145795.2, NM_001145796.2, NM_001145797.2 and 4 more transcripts); c.-26-1187G>C (NM_001308294.2); short protein forms E31D.
Identifiers: ClinVar variation 3353538 (VCV003353538.1).
Genomic context (GRCh38, chr16:28,866,187, plus strand): 5'-CTCCCCCTCGTCTCCCCCGCTGCCCCCACCCCCGCCCCCTAGTTGGCGGGAGTTCTGTGA[G>C]TCCCACGCCCGGGCTGCGGCTCTGGACTTTGCCCGCCGTTTTCGCCTCTACCTGGCCTCC-3'
Protein context (NP_001374359.1, residues 21-41): PPPPSWREFC[Glu31Asp]SHARAAALDF

ClinVar aggregate classification (germline): Uncertain significance (0 of 4 stars; one submission).

Conditions:
SH2B1-related disorder. Also called: SH2B1-related condition.

gnomAD v4.1: 1 of 1,575,302 alleles (0.000063%); highest among the groups gnomAD compares: Non-Finnish European, 0.000086%; no homozygotes.

Submission:

PreventionGenetics, part of Exact Sciences
Classification: Uncertain significance for SH2B1-related condition. Last evaluated: 2024-05-06. Review status: no assertion criteria provided. Collection method: clinical testing. Allele origin: germline.
Comment: The SH2B1 c.93G>C variant is predicted to result in the amino acid substitution p.Glu31Asp. To our knowledge, this variant has not been reported in the literature. This variant is reported in 0.0022% of alleles in individuals of European (Non-Finnish) descent in gnomAD. At this time, the clinical significance of this variant is uncertain due to the absence of conclusive functional and genetic evidence.